The following is an entry in ClinVar:

NM_006767.4(LZTR1):c.1429G>C (p.Ala477Pro)

Gene: LZTR1 (leucine zipper like post translational regulator 1; plus strand). Cytogenetic location: 22q11.21.
Variant type: single nucleotide variant.
Coding change: c.1429G>C on transcript NM_006767.4 (MANE Select); coding-DNA position 1429, G replaced by C.
Protein change: p.Ala477Pro; replaces alanine 477 with proline.
Molecular consequence: missense variant.
Genome position (GRCh38, 1-based): chr22:20,993,999, G>C. VCF-style: chr22-20993999-G-C. GRCh37 (hg19) VCF-style: chr22-21348288-G-C.
Other names: short protein forms A477P.
Identifiers: ClinVar variation 1772452 (VCV001772452.5), dbSNP rs2147967093, ClinGen allele CA410775301.

ClinVar aggregate classification (germline): Uncertain significance. Review status: criteria provided, multiple submitters, no conflicts (2 of 4 stars). 2 submissions from 2 submitters: Uncertain significance (2). Last evaluated 2025-10-26.

Conditions:
Cardiovascular phenotype. Identifiers: MedGen CN230736.
Hereditary cancer-predisposing syndrome. Also called: Hereditary Cancer Syndrome; Hereditary neoplastic syndrome; Neoplastic Syndromes, Hereditary; Tumor predisposition. Identifiers: Orphanet 140162, MedGen C0027672, MeSH D009386, MONDO:0015356.

Allele frequency attached by ClinVar (database versions not stated): gnomAD exomes below 0.00001.
gnomAD v4.1: 5 of 1,610,840 alleles (0.00031%); highest among the groups gnomAD compares: Non-Finnish European, 0.00034%; no homozygotes.

Submissions (2):

Labcorp Genetics (formerly Invitae), Labcorp
Classification: Uncertain significance. Last evaluated: 2025-10-26. Review status: criteria provided, single submitter. Criteria: Invitae Variant Classification Sherloc (09022015). Collection method: clinical testing. Allele origin: germline.
Comment: This sequence change replaces alanine, which is neutral and non-polar, with proline, which is neutral and non-polar, at codon 477 of the LZTR1 protein (p.Ala477Pro). This variant is not present in population databases (gnomAD no frequency). This variant has not been reported in the literature in individuals affected with LZTR1-related conditions. ClinVar contains an entry for this variant (Variation ID: 1772452). Invitae Evidence Modeling of protein sequence and biophysical properties (such as structural, functional, and spatial information, amino acid conservation, physicochemical variation, residue mobility, and thermodynamic stability) indicates that this missense variant is not expected to disrupt LZTR1 protein function with a negative predictive value of 80%. In summary, the available evidence is currently insufficient to determine the role of this variant in disease. Therefore, it has been classified as a Variant of Uncertain Significance.

Ambry Genetics
Classification: Uncertain significance for Cardiovascular phenotype; Hereditary cancer-predisposing syndrome. Last evaluated: 2025-10-07. Review status: criteria provided, single submitter. Criteria: Ambry Variant Classification Scheme 2023. Collection method: clinical testing. Allele origin: germline.
Comment: The p.A477P variant (also known as c.1429G>C), located in coding exon 13 of the LZTR1 gene, results from a G to C substitution at nucleotide position 1429. The alanine at codon 477 is replaced by proline, an amino acid with highly similar properties. This amino acid position is conserved. In addition, the in silico prediction for this alteration is inconclusive. Since supporting evidence is limited at this time, the clinical significance of this alteration remains unclear.